The following is an entry in ClinVar:

ClinVar aggregate classification (germline): Uncertain significance (1 of 4 stars; one submission).

Conditions:
Cornelia de Lange syndrome 1 (CDLS1). Also called: TYPUS DEGENERATIVUS AMSTELODAMENSIS; Brachmann de Lange syndrome; NIPBL-Related Cornelia de Lange Syndrome. Identifiers: Orphanet 199, MedGen C4551851, MONDO:0007387, OMIM 122470.

Allele frequency attached by ClinVar (database versions not stated): TOPMed 0.00001.
gnomAD v4.1: 1 of 1,604,796 alleles (0.000062%); no homozygotes.

Submission:

Labcorp Genetics (formerly Invitae), Labcorp
Classification: Uncertain significance for Cornelia de Lange syndrome 1. Last evaluated: 2024-10-13. Review status: criteria provided, single submitter. Criteria: Invitae Variant Classification Sherloc (09022015). Collection method: clinical testing. Allele origin: germline.
Comment: This sequence change replaces aspartic acid, which is acidic and polar, with glutamic acid, which is acidic and polar, at codon 1224 of the NIPBL protein (p.Asp1224Glu). This variant is not present in population databases (gnomAD no frequency). This variant has not been reported in the literature in individuals affected with NIPBL-related conditions. ClinVar contains an entry for this variant (Variation ID: 2076387). Invitae Evidence Modeling of protein sequence and biophysical properties (such as structural, functional, and spatial information, amino acid conservation, physicochemical variation, residue mobility, and thermodynamic stability) indicates that this missense variant is not expected to disrupt NIPBL protein function with a negative predictive value of 95%. In summary, the available evidence is currently insufficient to determine the role of this variant in disease. Therefore, it has been classified as a Variant of Uncertain Significance.

NM_133433.4(NIPBL):c.3672T>A (p.Asp1224Glu)

Gene: NIPBL (NIPBL cohesin loading factor; plus strand). Cytogenetic location: 5p13.2.
Variant type: single nucleotide variant.
Coding change: c.3672T>A on transcript NM_133433.4 (MANE Select); coding-DNA position 3672, T replaced by A.
Protein change: p.Asp1224Glu; replaces aspartic acid 1224 with glutamic acid.
Molecular consequence: missense variant.
Genome position (GRCh38, 1-based): chr5:37,002,669, T>A. VCF-style: chr5-37002669-T-A. GRCh37 (hg19) VCF-style: chr5-37002771-T-A.
Other names: c.3672T>A, p.Asp1224Glu (NM_015384.5); short protein forms D1224E.
Identifiers: ClinVar variation 2076387 (VCV002076387.4), dbSNP rs1746957973, ClinGen allele CA359519816.